The following is an entry in ClinVar:

ClinVar aggregate classification (germline): Conflicting classifications of pathogenicity. Review status: criteria provided, conflicting classifications (1 of 4 stars). 3 submissions from 3 submitters: Uncertain significance (2); Likely benign (1). Last evaluated 2025-09-28.

Allele frequency attached by ClinVar (database versions not stated): ESP Exome Variant Server 0.00017; 1000 Genomes Project 0.00040; gnomAD 0.00021; 1000 Genomes Project 30x 0.00047; gnomAD exomes 0.00003; ExAC 0.00011; TOPMed 0.00028.
gnomAD v4.1: 76 of 1,613,676 alleles (0.0047%); highest among the groups gnomAD compares: African/African-American, 0.08%; no homozygotes.

Submissions (3):

Ambry Genetics
Classification: Likely benign. Last evaluated: 2025-09-28. Review status: criteria provided, single submitter. Criteria: Ambry Variant Classification Scheme 2023. Collection method: clinical testing. Allele origin: germline.

Mayo Clinic Laboratories, Mayo Clinic
Classification: Uncertain significance. Last evaluated: 2025-01-27. Review status: criteria provided, single submitter. Criteria: ACMG Guidelines, 2015. Collection method: clinical testing. Allele origin: germline. Observed: 1 variant allele.
Comment: BP4

Labcorp Genetics (formerly Invitae), Labcorp
Classification: Uncertain significance. Last evaluated: 2024-10-13. Review status: criteria provided, single submitter. Criteria: Invitae Variant Classification Sherloc (09022015). Collection method: clinical testing. Allele origin: germline.
Comment: This sequence change replaces valine, which is neutral and non-polar, with isoleucine, which is neutral and non-polar, at codon 366 of the SUGCT protein (p.Val366Ile). This variant is present in population databases (rs147837552, gnomAD 0.08%). This variant has not been reported in the literature in individuals affected with SUGCT-related conditions. ClinVar contains an entry for this variant (Variation ID: 2060991). An algorithm developed to predict the effect of missense changes on protein structure and function outputs the following: PolyPhen-2: "Not Available". The isoleucine amino acid residue is found in multiple mammalian species, which suggests that this missense change does not adversely affect protein function. In summary, the available evidence is currently insufficient to determine the role of this variant in disease. Therefore, it has been classified as a Variant of Uncertain Significance.

NM_001193313.2(SUGCT):c.1108G>A (p.Val370Ile)

Gene: SUGCT (succinyl-CoA:glutarate-CoA transferase; plus strand). Cytogenetic location: 7p14.1.
Variant type: single nucleotide variant.
Coding change: c.1108G>A on transcript NM_001193313.2 (MANE Select); coding-DNA position 1108, G replaced by A.
Protein change: p.Val370Ile; replaces valine 370 with isoleucine.
Molecular consequence: missense variant.
Genome position (GRCh38, 1-based): chr7:40,749,452, G>A. VCF-style: chr7-40749452-G-A. GRCh37 (hg19) VCF-style: chr7-40789051-G-A.
Other names: p.Val366Ile; c.1096G>A (NM_024728.2); c.1186G>A, p.Val396Ile (NM_001193311.2); c.964G>A, p.Val322Ile (NM_001193312.2); c.1075G>A, p.Val359Ile (NM_024728.3); short protein forms V322I, V396I, V359I, V370I.
Identifiers: ClinVar variation 2060991 (VCV002060991.4), dbSNP rs147837552, ClinGen allele CA4229739.